The following is an entry in ClinVar:

ClinVar aggregate classification (germline): Conflicting classifications of pathogenicity. Review status: criteria provided, conflicting classifications (1 of 4 stars). 4 submissions from 3 submitters: Uncertain significance (1); Benign (3). Last evaluated 2023-01-01.

Conditions:
Maturity-onset diabetes of the young (MODY). Also called: Maturity onset diabetes mellitus in young. Identifiers: Orphanet 552, MedGen C0342276, MONDO:0018911, HP:0004904.
Familial hyperinsulinism. Also called: Congenital hyperinsulinism. Identifiers: Orphanet 276525, MedGen C3888018, MONDO:0017182. Disease mechanism: loss of function.
Maturity-onset diabetes of the young type 1. Also called: MODY, type I; MILD JUVENILE DIABETES MELLITUS; MODY type 1; Diabetes mellitus MODY type 1; MODY HNF4A related; HNF4A-Related Maturity-Onset Diabetes of the Young Type 1. Identifiers: Orphanet 552, MedGen C1852093, MONDO:0007452, OMIM 125850. Disease mechanism: loss of function.

Allele frequency attached by ClinVar (database versions not stated): 1000 Genomes Project 0.00060; 1000 Genomes Project 30x 0.00094; gnomAD 0.00158 and 0.00161; TOPMed 0.00162; gnomAD exomes 0.00338.
gnomAD v4.1: 240 of 152,494 alleles (0.16%); highest among the groups gnomAD compares: Admixed American, 0.31%; no homozygotes.

Submissions (4):

CeGaT Center for Human Genetics Tuebingen
Classification: Benign. Last evaluated: 2023-01-01. Review status: criteria provided, single submitter. Criteria: CeGaT Center For Human Genetics Tuebingen Variant Classification Criteria Version 2. Collection method: clinical testing. Allele origin: germline. Affected: yes. Observed: 1 variant allele.
Comment: HNF4A: BS1, BS2

Illumina Laboratory Services, Illumina
Classification: Uncertain significance for Familial hyperinsulinism. Last evaluated: 2018-01-13. Review status: criteria provided, single submitter. Criteria: ICSL Variant Classification Criteria 13 December 2019. Collection method: clinical testing. Allele origin: germline.

Illumina Laboratory Services, Illumina
Classification: Benign for Maturity-onset diabetes of the young type 1. Last evaluated: 2018-01-13. Review status: criteria provided, single submitter. Criteria: ICSL Variant Classification Criteria 13 December 2019. Collection method: clinical testing. Allele origin: germline.
Comment: This variant was observed in the ICSL laboratory as part of a predisposition screen in an ostensibly healthy population. It had not been previously curated by ICSL or reported in the Human Gene Mutation Database (HGMD: prior to June 1st, 2018), and was therefore a candidate for classification through an automated scoring system. Utilizing variant allele frequency, disease prevalence and penetrance estimates, and inheritance mode, an automated score was calculated to assess if this variant is too frequent to cause the disease. Based on the score and internal cut-off values, a variant classified as benign is not then subjected to further curation. The score for this variant resulted in a classification of benign for this disease.

Clinical Genomics, Uppaluri K&H Personalized Medicine Clinic
Classification: Benign for Maturity-onset diabetes of the young. Review status: criteria provided, single submitter. Criteria: K & H Uppaluri Personalized Medicine Clinic Variant Classification & Assertion Criteria_Updated V.1. Collection method: research. Allele origin: unknown. Inheritance: Autosomal dominant inheritance.
Comment: Potent mutations in HNF4A are associated with poor insulin secretion in response to hyperglycemia. Associated with MODY1. Patients initially respond well to sulfonylureas but eventually become insulin dependent. However, more evidence is required to ascertain the role of this particular variant rs564110189 in MODY, yet.

Literature cited by the submitters: DOI 10.1159/000334532 (cited by Clinical Genomics, Uppaluri K&H Personalized Medicine Clinic); PubMed 18268044 (cited by Clinical Genomics, Uppaluri K&H Personalized Medicine Clinic); PubMed 17563455 (cited by Clinical Genomics, Uppaluri K&H Personalized Medicine Clinic); PubMed 32583173 (cited by Clinical Genomics, Uppaluri K&H Personalized Medicine Clinic); PubMed 35052457 (cited by Clinical Genomics, Uppaluri K&H Personalized Medicine Clinic); PubMed 35118593 (cited by Clinical Genomics, Uppaluri K&H Personalized Medicine Clinic).

NM_175914.5(HNF4A):c.*1783G>T

Gene: HNF4A (hepatocyte nuclear factor 4 alpha; plus strand). Cytogenetic location: 20q13.12.
Variant type: single nucleotide variant.
Coding change: c.*1783G>T on transcript NM_175914.5 (MANE Select); 1783 bases downstream of the stop codon, G replaced by T.
Molecular consequence: 3 prime UTR variant.
Genome position (GRCh38, 1-based): chr20:44,431,448, G>T. VCF-style: chr20-44431448-G-T. GRCh37 (hg19) VCF-style: chr20-43060088-G-T.
Other names: c.*1783G>T (NM_000457.6, NM_001030003.3, NM_001258355.2 and 3 more transcripts).
Identifiers: ClinVar variation 338461 (VCV000338461.34), dbSNP rs564110189, ClinGen allele CA10649746.